The following is an entry in ClinVar:

NM_016333.4(SRRM2):c.2486C>T (p.Thr829Ile)

Gene: SRRM2 (serine/arginine repetitive matrix 2; plus strand). Cytogenetic location: 16p13.3.
Variant type: single nucleotide variant.
Coding change: c.2486C>T on transcript NM_016333.4 (MANE Select); coding-DNA position 2486, C replaced by T.
Protein change: p.Thr829Ile; replaces threonine 829 with isoleucine.
Molecular consequence: missense variant.
Genome position (GRCh38, 1-based): chr16:2,763,014, C>T. VCF-style: chr16-2763014-C-T. GRCh37 (hg19) VCF-style: chr16-2813015-C-T.
Other names: short protein forms T829I.
Identifiers: ClinVar variation 3771822 (VCV003771822.13).
Genomic context (GRCh38, chr16:2,763,014, plus strand): 5'-GAACGCCACCCAGACGCAGTCGCTCCAGTTCTTCTCCGCCACCTAAACAGAAATCTAAGA[C>T]ACCATCAAGACAAAGTCATTCCAGTTCATCTCCTCATCCTAAAGTGAAATCTGGAACACC-3'
Protein context (NP_057417.3, residues 819-839): SSPPPKQKSK[Thr829Ile]PSRQSHSSSS

ClinVar aggregate classification (germline): Uncertain significance (1 of 4 stars; one submission).

Submission:

CeGaT Center for Human Genetics Tuebingen
Classification: Uncertain significance. Last evaluated: 2024-12-01. Review status: criteria provided, single submitter. Criteria: CeGaT Center For Human Genetics Tuebingen Variant Classification Criteria Version 2. Collection method: clinical testing. Allele origin: germline. Affected: yes. Observed: 1 variant allele.
Comment: SRRM2: PS2:Moderate, BP4